The following is an entry in ClinVar:

NM_138694.4(PKHD1):c.10151A>G (p.Asn3384Ser)

Gene: PKHD1 (PKHD1 ciliary IPT domain containing fibrocystin/polyductin; minus strand). Cytogenetic location: 6p12.3.
Variant type: single nucleotide variant.
Coding change: c.10151A>G on transcript NM_138694.4 (MANE Select); coding-DNA position 10151, A replaced by G.
Protein change: p.Asn3384Ser; replaces asparagine 3384 with serine.
Molecular consequence: missense variant.
Genome position (GRCh38, 1-based): chr6:51,744,390, T>C on the plus strand (A>G on the coding strand, the complement: PKHD1 is on the minus strand). VCF-style: chr6-51744390-T-C. GRCh37 (hg19) VCF-style: chr6-51609188-T-C.
Other names: c.10151A>G, p.Asn3384Ser (NM_170724.3); short protein forms N3384S.
Identifiers: ClinVar variation 2036103 (VCV002036103.1), dbSNP rs767680287, ClinGen allele CA3851244.

ClinVar aggregate classification (germline): Uncertain significance (1 of 4 stars; one submission).

Conditions:
Autosomal recessive polycystic kidney disease (ARPKD). Also called: AR polycystic kidney disease. Identifiers: Orphanet 731, Orphanet 8378, MedGen C0085548, MeSH D017044, MONDO:0009889.

Allele frequency attached by ClinVar (database versions not stated): gnomAD exomes below 0.00001; ExAC 0.00001; gnomAD 0.00001.
gnomAD v4.1: 3 of 1,613,714 alleles (0.00019%); highest among the groups gnomAD compares: Admixed American, 0.0017%; no homozygotes.

Submission:

Labcorp Genetics (formerly Invitae), Labcorp
Classification: Uncertain significance for Autosomal recessive polycystic kidney disease. Last evaluated: 2022-05-29. Review status: criteria provided, single submitter. Criteria: Invitae Variant Classification Sherloc (09022015). Collection method: clinical testing. Allele origin: germline.
Comment: This sequence change replaces asparagine, which is neutral and polar, with serine, which is neutral and polar, at codon 3384 of the PKHD1 protein (p.Asn3384Ser). This variant is present in population databases (rs767680287, gnomAD 0.004%). This variant has not been reported in the literature in individuals affected with PKHD1-related conditions. Advanced modeling of protein sequence and biophysical properties (such as structural, functional, and spatial information, amino acid conservation, physicochemical variation, residue mobility, and thermodynamic stability) performed at Invitae indicates that this missense variant is not expected to disrupt PKHD1 protein function. In summary, the available evidence is currently insufficient to determine the role of this variant in disease. Therefore, it has been classified as a Variant of Uncertain Significance.